The following is an entry in ClinVar:

NM_198506.5(LRIT3):c.1903A>G (p.Arg635Gly)

Gene: LRIT3 (leucine rich repeat, Ig-like and transmembrane domains 3; plus strand). Cytogenetic location: 4q25.
Variant type: single nucleotide variant.
Coding change: c.1903A>G on transcript NM_198506.5 (MANE Select); coding-DNA position 1903, A replaced by G.
Protein change: p.Arg635Gly; replaces arginine 635 with glycine.
Molecular consequence: missense variant.
Genome position (GRCh38, 1-based): chr4:109,870,652, A>G. VCF-style: chr4-109870652-A-G. GRCh37 (hg19) VCF-style: chr4-110791808-A-G.
Other names: c.1768A>G (NM_198506.2); short protein forms R635G.
Identifiers: ClinVar variation 969606 (VCV000969606.8), dbSNP rs1231968621, ClinGen allele CA357873096.
Genomic context (GRCh38, chr4:109,870,652, plus strand): 5'-CCTTTTTGGGAAGATGATTTGGCAAAGGAGACTTATATCCAATTTGAGACCCTGTTTCCC[A>G]GGTCTCAAAGTGTAGGTGAGCTCTGGACACGAAGCCACAGGGATGACTCAGAGAAATTGC-3'
Protein context (NP_940908.3, residues 625-645): TYIQFETLFP[Arg635Gly]SQSVGELWTR

ClinVar aggregate classification (germline): Uncertain significance. Review status: criteria provided, multiple submitters, no conflicts (2 of 4 stars). 2 submissions from 2 submitters: Uncertain significance (2). Last evaluated 2025-03-20.

Conditions:
Inborn genetic diseases. Identifiers: MedGen C0950123, MeSH D030342.

Allele frequency attached by ClinVar (database versions not stated): gnomAD 0.00001; TOPMed 0.00001.
gnomAD v4.1: 4 of 1,614,016 alleles (0.00025%); highest among the groups gnomAD compares: Non-Finnish European, 0.00034%; no homozygotes.

Submissions (2):

Ambry Genetics
Classification: Uncertain significance for Inborn genetic diseases. Last evaluated: 2025-03-20. Review status: criteria provided, single submitter. Criteria: Ambry Variant Classification Scheme 2023. Collection method: clinical testing. Allele origin: germline.

Labcorp Genetics (formerly Invitae), Labcorp
Classification: Uncertain significance. Last evaluated: 2022-06-03. Review status: criteria provided, single submitter. Criteria: Invitae Variant Classification Sherloc (09022015). Collection method: clinical testing. Allele origin: germline.
Comment: This sequence change replaces arginine, which is basic and polar, with glycine, which is neutral and non-polar, at codon 635 of the LRIT3 protein (p.Arg635Gly). This variant is present in population databases (no rsID available, gnomAD 0.007%). This variant has not been reported in the literature in individuals affected with LRIT3-related conditions. ClinVar contains an entry for this variant (Variation ID: 969606). Algorithms developed to predict the effect of missense changes on protein structure and function are either unavailable or do not agree on the potential impact of this missense change (SIFT: "Deleterious"; PolyPhen-2: "Possibly Damaging"; Align-GVGD: "Class C0"). In summary, the available evidence is currently insufficient to determine the role of this variant in disease. Therefore, it has been classified as a Variant of Uncertain Significance.